The following is an entry in ClinVar:

NM_000548.5(TSC2):c.4884G>A (p.Lys1628=)

Gene: TSC2 (TSC complex subunit 2; plus strand). Cytogenetic location: 16p13.3.
Variant type: single nucleotide variant.
Coding change: c.4884G>A on transcript NM_000548.5 (MANE Select); coding-DNA position 4884, G replaced by A.
Protein change: p.Lys1628=; no amino-acid change (lysine 1628 retained).
Molecular consequence: synonymous variant.
Genome position (GRCh38, 1-based): chr16:2,086,766, G>A. VCF-style: chr16-2086766-G-A. GRCh37 (hg19) VCF-style: chr16-2136767-G-A.
Other names: c.4884G>A (NM_000548.3); c.4683G>A, p.Lys1561= (NM_001077183.3); c.4815G>A, p.Lys1605= (NM_001114382.3); c.4575G>A, p.Lys1525= (NM_001318827.2); c.4539G>A, p.Lys1513= (NM_001318829.2); c.4152G>A, p.Lys1384= (NM_001318831.2); c.4716G>A, p.Lys1572= (NM_001318832.2); c.4686G>A, p.Lys1562= (NM_001363528.2); and 2 more.
Identifiers: ClinVar variation 1010467 (VCV001010467.9), dbSNP rs2090853639, ClinGen allele CA492959787.

ClinVar aggregate classification (germline): Benign/Likely benign. Review status: criteria provided, multiple submitters, no conflicts (2 of 4 stars). 3 submissions from 3 submitters: Benign (1); Likely benign (2). Last evaluated 2025-06-05.

Conditions:
Tuberous sclerosis 2 (TSC2). Identifiers: Orphanet 805, MedGen C1860707, MONDO:0013199, OMIM 613254.
Hereditary cancer-predisposing syndrome. Also called: Tumor predisposition; Hereditary Cancer Syndrome; Neoplastic Syndromes, Hereditary; Hereditary neoplastic syndrome. Identifiers: Orphanet 140162, MedGen C0027672, MeSH D009386, MONDO:0015356.

Submissions (3):

Myriad Genetics, Inc.
Classification: Benign for Tuberous sclerosis 2. Last evaluated: 2025-06-05. Review status: criteria provided, single submitter. Criteria: Myriad Autosomal Dominant, Autosomal Recessive and X-Linked Classification Criteria (2023). Collection method: clinical testing. Allele origin: unknown.
Comment: This variant is considered benign. This variant is a silent/synonymous amino acid change and it is not expected to impact splicing.

Labcorp Genetics (formerly Invitae), Labcorp
Classification: Likely benign for Tuberous sclerosis 2. Last evaluated: 2024-07-08. Review status: criteria provided, single submitter. Criteria: Invitae Variant Classification Sherloc (09022015). Collection method: clinical testing. Allele origin: germline.

Ambry Genetics
Classification: Likely benign for Hereditary cancer-predisposing syndrome. Last evaluated: 2023-02-08. Review status: criteria provided, single submitter. Criteria: Ambry Variant Classification Scheme 2023. Collection method: clinical testing. Allele origin: germline.